The following is an entry in ClinVar:

ClinVar aggregate classification (germline): Likely pathogenic (1 of 4 stars; one submission).

Conditions:
Thyroid hormone resistance, generalized, autosomal dominant (GRTHD). Also called: HYPERTHYROXINEMIA, FAMILIAL EUTHYROID, SECONDARY TO PITUITARY AND PERIPHERAL RESISTANCE TO THYROID HORMONES. Identifiers: MedGen C2937288, MONDO:0008569, OMIM 188570.

Submission:

Women's Health and Genetics/Laboratory Corporation of America, LabCorp
Classification: Likely pathogenic for Thyroid hormone resistance, generalized, autosomal dominant. Last evaluated: 2024-05-24. Review status: criteria provided, single submitter. Criteria: LabCorp Variant Classification Summary - May 2015. Collection method: clinical testing. Allele origin: germline.
Comment: Variant summary: THRB c.827_829delTCA (p.Ile276del) results in an in-frame deletion that is predicted to remove one amino acid from the encoded protein. The variant was absent in 251350 control chromosomes. c.827_829delTCA has been reported in the literature in at least one individual affected with Thyroid Hormone Resistance, Generalized, Autosomal Dominant (Collingwood_1998). At least one publication reports experimental evidence evaluating an impact on protein function. The most pronounced variant effect results in imparied T3-dependent transcription activation in JEG-3 cells (Collingwood_1998). The following publication has been ascertained in the context of this evaluation (PMID: 9707435). No submitters have cited clinical-significance assessments for this variant to ClinVar. Based on the evidence outlined above, the variant was classified as likely pathogenic.

Literature cited by the submitters: PubMed 9707435.

NM_001354712.2(THRB):c.824TCA[1] (p.Ile276del)

Gene: THRB (thyroid hormone receptor beta; minus strand). Cytogenetic location: 3p24.2.
Variant type: Microsatellite.
Coding change: c.824TCA[1] on transcript NM_001354712.2 (MANE Select); one copy of the 3-base unit TCA starting at c.824; the reference has two copies in a row; one copy, 3 bases deleted.
Protein change: p.Ile276del; deletes isoleucine 276.
Molecular consequence: inframe deletion.
Genome position (GRCh38, 1-based): chr3:24,133,372-24,133,374, TGA deleted on the plus strand (TCA on the coding strand, the reverse complement: THRB is on the minus strand); deleting any 3 consecutive bases within chr3:24,133,372-24,133,378 gives the same sequence; the position shown is the placement nearest the transcript's 3' end. VCF-style (leftmost placement, unchanged base first): chr3-24133371-GTGA-G. GRCh37 (hg19) VCF-style: chr3-24174862-GTGA-G.
Other names: c.824TCA[1], p.Ile276del (NM_000461.5, NM_001128176.3, NM_001128177.2 and 12 more transcripts); c.731TCA[1], p.Ile245del (NM_001354714.2, NM_001354715.2); c.827_829delTCA (NM_000461.5); short protein forms I245del, I276del.
Identifiers: ClinVar variation 3336403 (VCV003336403.1).
Genomic context (GRCh38, chr3:24,133,371, plus strand): 5'-CTCACCTCACAAAACATAGGCAACTTTTTGGCAAAATCCACCACTCTGGTAATTGCTGGT[GTGA>G]TGATTTTTGTAAAATGGCTGAAGGCTTCCAAGTCAACCTTTCCACCTTCTGGGGCATTGA-3'